The following is an entry in ClinVar:

ClinVar aggregate classification (germline): Uncertain significance (1 of 4 stars; one submission).

gnomAD v4.1: 38 of 1,613,748 alleles (0.0024%); highest among the groups gnomAD compares: African/African-American, 0.0053%; no homozygotes.

Submission:

Labcorp Genetics (formerly Invitae), Labcorp
Classification: Uncertain significance. Last evaluated: 2025-04-03. Review status: criteria provided, single submitter. Criteria: Invitae Variant Classification Sherloc (09022015). Collection method: clinical testing. Allele origin: germline.
Comment: This sequence change replaces alanine, which is neutral and non-polar, with valine, which is neutral and non-polar, at codon 246 of the CLCN6 protein (p.Ala246Val). This variant is present in population databases (rs765674820, gnomAD 0.007%). This variant has not been reported in the literature in individuals affected with CLCN6-related conditions. ClinVar contains an entry for this variant (Variation ID: 3730419). An algorithm developed to predict the effect of missense changes on protein structure and function (PolyPhen-2) suggests that this variant is likely to be disruptive. In summary, the available evidence is currently insufficient to determine the role of this variant in disease. Therefore, it has been classified as a Variant of Uncertain Significance.

NM_001286.5(CLCN6):c.737C>T (p.Ala246Val)

Gene: CLCN6 (Cl-/H+ antiporter 6; plus strand). Cytogenetic location: 1p36.22.
Variant type: single nucleotide variant.
Coding change: c.737C>T on transcript NM_001286.5 (MANE Select); coding-DNA position 737, C replaced by T.
Protein change: p.Ala246Val; replaces alanine 246 with valine.
Molecular consequence: missense variant. On other transcripts: non-coding transcript variant (1).
Genome position (GRCh38, 1-based): chr1:11,827,118, C>T. VCF-style: chr1-11827118-C-T. GRCh37 (hg19) VCF-style: chr1-11887175-C-T.
Other names: c.671C>T, p.Ala224Val (NM_001256959.2); short protein forms A224V, A246V.
Identifiers: ClinVar variation 3730419 (VCV003730419.2).
Genomic context (GRCh38, chr1:11,827,118, plus strand): 5'-ATTGGATAACCCGTCTCTCTCCTCTCCTCAGAGACAAGAGAGACTTTGTATCAGCAGGAG[C>T]GGCTGCTGGAGTTGCTGCAGCTTTCGGGGCGCCAATCGGGGGTACCTTGTTCAGTCTAGA-3'
Protein context (NP_001277.2, residues 236-256): RDKRDFVSAG[Ala246Val]AAGVAAAFGA